The following is an entry in ClinVar:

NM_016343.4(CENPF):c.3889A>G (p.Met1297Val)

Gene: CENPF (centromere protein F; plus strand). Cytogenetic location: 1q41.
Variant type: single nucleotide variant.
Coding change: c.3889A>G on transcript NM_016343.4 (MANE Select); coding-DNA position 3889, A replaced by G.
Protein change: p.Met1297Val; replaces methionine 1297 with valine.
Molecular consequence: missense variant.
Genome position (GRCh38, 1-based): chr1:214,642,227, A>G. VCF-style: chr1-214642227-A-G. GRCh37 (hg19) VCF-style: chr1-214815570-A-G.
Other names: short protein forms M1297V.
Identifiers: ClinVar variation 1895590 (VCV001895590.29), dbSNP rs778167805, ClinGen allele CA1390493.
Genomic context (GRCh38, chr1:214,642,227, plus strand): 5'-CATGAGTTGTCAACAAGTCAAAACGACAATGCACACCTTCAGTGCTCTCTGCAAACAACA[A>G]TGAACAAGCTGAATGAGCTAGAGAAAATATGTGAAATACTGCAGGCTGAAAAGTATGAAC-3'
Protein context (NP_057427.3, residues 1287-1307): AHLQCSLQTT[Met1297Val]NKLNELEKIC

ClinVar aggregate classification (germline): Likely benign. Review status: criteria provided, multiple submitters, no conflicts (2 of 4 stars). 2 submissions from 2 submitters: Likely benign (2). Last evaluated 2023-06-01.

Allele frequency attached by ClinVar (database versions not stated): gnomAD exomes 0.00003; gnomAD 0.00004; TOPMed 0.00005; ExAC 0.00017.

Submissions (2):

CeGaT Center for Human Genetics Tuebingen
Classification: Likely benign. Last evaluated: 2023-06-01. Review status: criteria provided, single submitter. Criteria: CeGaT Center For Human Genetics Tuebingen Variant Classification Criteria Version 2. Collection method: clinical testing. Allele origin: germline. Affected: yes. Observed: 1 variant allele.
Comment: CENPF: BP4

Labcorp Genetics (formerly Invitae), Labcorp
Classification: Likely benign. Last evaluated: 2022-02-05. Review status: criteria provided, single submitter. Criteria: Invitae Variant Classification Sherloc (09022015). Collection method: clinical testing. Allele origin: germline.